The following is an entry in ClinVar:

ClinVar aggregate classification (germline): Conflicting classifications of pathogenicity. Review status: criteria provided, conflicting classifications (1 of 4 stars). 9 submissions from 9 submitters: Uncertain significance (5); Likely benign (2). 2 of the submissions do not count toward it. Last evaluated 2026-05-18.

Conditions:
PCDH15-related disorder. Also called: PCDH15-related condition; PCDH15-related disorders.
Optic atrophy. Identifiers: MedGen C0029124, MONDO:0003608, HP:0000648.
Inborn genetic diseases. Identifiers: MedGen C0950123, MeSH D030342.
Usher syndrome type 1F (USH1F). Also called: USHER SYNDROME, TYPE IF. Identifiers: Orphanet 231169, Orphanet 886, MedGen C1865885, MONDO:0011186, OMIM 602083.

Allele frequency attached by ClinVar (database versions not stated): gnomAD exomes 0.00003 and 0.00007; ExAC 0.00007; ESP Exome Variant Server 0.00015; gnomAD 0.00021 and 0.00024; TOPMed 0.00023; 1000 Genomes Project 0.00060; 1000 Genomes Project 30x 0.00062.
gnomAD v4.1: 81 of 1,613,470 alleles (0.005%); highest among the groups gnomAD compares: African/African-American, 0.1%; 1 homozygote.

Submissions (9):

PreventionGenetics, part of Exact Sciences
Classification: Uncertain significance for PCDH15-related condition. Last evaluated: 2026-05-18. Review status: criteria provided, single submitter. Criteria: ACMG Guidelines, 2015. Collection method: clinical testing. Allele origin: germline.
Comment: The PCDH15 c.2194G>A variant is predicted to result in the amino acid substitution p.Ala732Thr. To our knowledge, this variant has not been reported in the literature. This variant is reported in 0.084% of alleles in individuals of African descent in gnomAD. At this time, the clinical significance of this variant is uncertain due to the absence of conclusive functional and genetic evidence.

Labcorp Genetics (formerly Invitae), Labcorp
Classification: Likely benign. Last evaluated: 2026-01-14. Review status: criteria provided, single submitter. Criteria: Invitae Variant Classification Sherloc (09022015). Collection method: clinical testing. Allele origin: germline.

Dasa
Classification: Likely benign. Last evaluated: 2025-11-07. Review status: criteria provided, single submitter. Criteria: DASA Assertion Criteria. Collection method: clinical testing. Allele origin: germline.
Comment: NM_001384140.1(PCDH15):c.2194G>A (p.Ala732Thr) is a missense variant that results in the substitution of alanine with threonine. Population frequency is inconsistent with a disease-causing role for this variant. Computational prediction algorithms are consistent with a benign effect. Therefore, based on the currently available evidence, this variant is classified as likely benign.

Ambry Genetics
Classification: Uncertain significance for Inborn genetic diseases. Last evaluated: 2025-09-01. Review status: criteria provided, single submitter. Criteria: Ambry Variant Classification Scheme 2023. Collection method: clinical testing. Allele origin: germline.

GeneDx
Classification: Uncertain significance. Last evaluated: 2023-11-02. Review status: criteria provided, single submitter. Criteria: GeneDx Variant Classification Process June 2021. Collection method: clinical testing. Allele origin: germline. Affected: yes.
Comment: In silico analysis supports that this missense variant does not alter protein structure/function; Has not been previously published as pathogenic or benign to our knowledge

Blueprint Genetics
Classification: Uncertain significance. Last evaluated: 2023-09-27. Review status: criteria provided, single submitter. Criteria: ACMG Guidelines, 2015. Collection method: clinical testing. Allele origin: germline.

Laboratory for Molecular Medicine, Mass General Brigham Personalized Medicine
Classification: Uncertain significance. Last evaluated: 2013-08-10. Review status: criteria provided, single submitter. Criteria: LMM Criteria. Collection method: clinical testing. Allele origin: germline. Observed: 1 variant allele.
Comment: Variant classified as Uncertain Significance - Favor Benign. The Ala732Thr varia nt in PCDH14 has not been reported in individuals with hearing loss, but it has been identified in 0.04% (2/4404) African American chromosomes by the NHLBI Exom e Sequencing Project (dbSNP rs148162562). How ever, this frequency is not high enough to rule out a pathogenic role. The alani ne (Ala) residue at position 732 is not conserved across species, with wallaby h aving a threonine (Thr), suggesting that the variant may be tolerated at that po sition. Yet, computational analyses (biochemical amino acid properties, AlignGVG D, PolyPhen2, and SIFT) do not provide strong support for or against an impact t o the protein. In summary, the clinical significance of this variant cannot be d etermined with certainty; however based upon low conservation at the Ala732 posi tion, we would lean towards a more likely benign role.

Institute of Human Genetics, Univ. Regensburg, Univ. Regensburg
Classification: Uncertain significance for Optic atrophy. Last evaluated: 2022-01-01. Review status: no assertion criteria provided. Criteria: ACMG Guidelines, 2015. Collection method: clinical testing. Allele origin: germline. Affected: yes. Not counted in ClinVar's aggregate classification.

Natera, Inc.
Classification: Uncertain significance for Usher syndrome type 1F. Last evaluated: 2019-11-11. Review status: no assertion criteria provided. Collection method: clinical testing. Allele origin: germline. Not counted in ClinVar's aggregate classification.

NM_001384140.1(PCDH15):c.2194G>A (p.Ala732Thr)

Gene: PCDH15 (protocadherin related 15; minus strand). Cytogenetic location: 10q21.1.
Variant type: single nucleotide variant.
Coding change: c.2194G>A on transcript NM_001384140.1 (MANE Select); coding-DNA position 2194, G replaced by A.
Protein change: p.Ala732Thr; replaces alanine 732 with threonine.
Molecular consequence: missense variant.
Genome position (GRCh38, 1-based): chr10:54,066,783, C>T on the plus strand (G>A on the coding strand, the complement: PCDH15 is on the minus strand). VCF-style: chr10-54066783-C-T. GRCh37 (hg19) VCF-style: chr10-55826543-C-T.
Other names: c.2209G>A, p.Ala737Thr (NM_001142763.2, NM_001142771.2); c.2194G>A, p.Ala732Thr (NM_001142764.2, NM_001142766.2, NM_001142770.3 and 5 more transcripts); c.1981G>A, p.Ala661Thr (NM_001142765.2); c.2083G>A, p.Ala695Thr (NM_001142767.2); c.2128G>A, p.Ala710Thr (NM_001142768.2, NM_001142773.2, NM_001354404.2); c.2230G>A, p.Ala744Thr (NM_001142769.4); c.2215G>A, p.Ala739Thr (NM_001354411.2); short protein forms A732T, A710T, A737T, A739T, A661T, A695T, A744T.
Identifiers: ClinVar variation 164920 (VCV000164920.17), dbSNP rs148162562, ClinGen allele CA177594.